The following is an entry in ClinVar:

ClinVar aggregate classification (germline): Uncertain significance (1 of 4 stars; one submission).

Submission:

GeneDx
Classification: Uncertain significance. Last evaluated: 2026-03-15. Review status: criteria provided, single submitter. Criteria: GeneDx Variant Classification Process June 2021. Collection method: clinical testing. Allele origin: germline.
Comment: Not observed at significant frequency in large population cohorts (gnomAD); In silico analysis supports that this missense variant has a deleterious effect on protein structure/function; Has not been previously published as pathogenic or benign to our knowledge

NM_032217.5(ANKRD17):c.862G>A (p.Ala288Thr)

Gene: ANKRD17 (ankyrin repeat domain 17; minus strand). Cytogenetic location: 4q13.3.
Variant type: single nucleotide variant.
Coding change: c.862G>A on transcript NM_032217.5 (MANE Select); coding-DNA position 862, G replaced by A.
Protein change: p.Ala288Thr; replaces alanine 288 with threonine.
Molecular consequence: missense variant.
Genome position (GRCh38, 1-based): chr4:73,155,769, C>T on the plus strand (G>A on the coding strand, the complement: ANKRD17 is on the minus strand). VCF-style: chr4-73155769-C-T. GRCh37 (hg19) VCF-style: chr4-74021486-C-T.
Other names: c.523G>A, p.Ala175Thr (NM_001286771.3); c.862G>A, p.Ala288Thr (NM_015574.2, NM_198889.3); short protein forms A175T, A288T.
Identifiers: ClinVar variation 5009180 (VCV005009180.1).
Genomic context (GRCh38, chr4:73,155,769, plus strand): 5'-CAGCCATTAAAGGTGTAATGTCACCTTTGATTCCCCTATCTTCCACATTTGCATGCATTG[C>T]CAACAAAACCTTATGAGAGAAAAATAGTTTAAAAAGATATTAGGAAATAATCGTCAAAAA-3'
Protein context (NP_115593.3, residues 278-298): GYYELAQVLL[Ala288Thr]MHANVEDRGI